The following is an entry in ClinVar:

ClinVar aggregate classification (germline): Uncertain significance. Review status: criteria provided, single submitter (1 of 4 stars). 2 submissions from 2 submitters: Uncertain significance (1). 1 of the submissions does not count toward it. Last evaluated 2024-11-19.

Conditions:
Immunodeficiency 75. Also called: IMMUNODEFICIENCY 75 WITH LYMPHOPROLIFERATION. Identifiers: Orphanet 664729, MedGen C5436860, MONDO:0030858, OMIM 619126.

Submissions (2):

Labcorp Genetics (formerly Invitae), Labcorp
Classification: Uncertain significance. Last evaluated: 2024-11-19. Review status: criteria provided, single submitter. Criteria: Invitae Variant Classification Sherloc (09022015). Collection method: clinical testing. Allele origin: germline.
Comment: This sequence change creates a premature translational stop signal (p.Gln1632*) in the TET2 gene. While this is not anticipated to result in nonsense mediated decay, it is expected to disrupt the last 371 amino acid(s) of the TET2 protein. This variant is present in population databases (no rsID available, gnomAD 0.002%). This premature translational stop signal has been observed in individual(s) with TET2-related conditions (PMID: 32518946). ClinVar contains an entry for this variant (Variation ID: 989406). Experimental studies and prediction algorithms are not available or were not evaluated, and the functional significance of this variant is currently unknown. In summary, the available evidence is currently insufficient to determine the role of this variant in disease. Therefore, it has been classified as a Variant of Uncertain Significance.

OMIM
Classification: Pathogenic for IMMUNODEFICIENCY 75 WITH LYMPHOPROLIFERATION. Last evaluated: 2023-03-15. Review status: no assertion criteria provided. Collection method: literature only. Allele origin: unknown. Not counted in ClinVar's aggregate classification.

Literature cited by the submitters: PubMed 32518946 (cited by Labcorp Genetics (formerly Invitae), Labcorp and OMIM).

NM_001127208.3(TET2):c.4894C>T (p.Gln1632Ter)

Genes: TET2 (tet methylcytosine dioxygenase 2; plus strand), TET2-AS1 (TET2 antisense RNA 1; minus strand). Cytogenetic location: 4q24.
Variant type: single nucleotide variant.
Coding change: c.4894C>T on transcript NM_001127208.3 (MANE Select); coding-DNA position 4894, C replaced by T.
Protein change: p.Gln1632Ter; replaces glutamine 1632 with a stop codon.
Molecular consequence: nonsense.
Genome position (GRCh38, 1-based): chr4:105,275,404, C>T. VCF-style: chr4-105275404-C-T. GRCh37 (hg19) VCF-style: chr4-106196561-C-T.
Other names: short protein forms Q1632*.
Identifiers: ClinVar variation 989406 (VCV000989406.5), dbSNP rs1283023309, ClinGen allele CA357813667.